The following is an entry in ClinVar:

NM_001384140.1(PCDH15):c.2751+2T>C

Gene: PCDH15 (protocadherin related 15; minus strand). Cytogenetic location: 10q21.1.
Variant type: single nucleotide variant.
Coding change: c.2751+2T>C on transcript NM_001384140.1 (MANE Select); the canonical splice donor site of the intron after coding-DNA position 2751, T replaced by C.
Molecular consequence: splice donor variant.
Genome position (GRCh38, 1-based): chr10:54,020,190, A>G on the plus strand (T>C on the coding strand, the complement: PCDH15 is on the minus strand). VCF-style: chr10-54020190-A-G. GRCh37 (hg19) VCF-style: chr10-55779950-A-G.
Other names: c.2751+2T>C (NM_001354420.2, NM_001354429.2, NM_001142772.2 and 5 more transcripts); c.2766+2T>C (NM_001142771.2, NM_001142763.2); c.2772+2T>C (NM_001354411.2); c.2787+2T>C (NM_001142769.3); c.2685+2T>C (NM_001354404.2, NM_001142773.2, NM_001142768.2); c.2640+2T>C (NM_001142767.2); c.2538+2T>C (NM_001142765.2).
Identifiers: ClinVar variation 553206 (VCV000553206.14), dbSNP rs754543131, ClinGen allele CA5505947.

ClinVar aggregate classification (germline): Conflicting classifications of pathogenicity. Review status: criteria provided, conflicting classifications (1 of 4 stars). 5 submissions from 5 submitters: Likely pathogenic (2); Uncertain significance (2). 1 of the submissions does not count toward it. Last evaluated 2024-01-04.

Conditions:
Usher syndrome type 1F (USH1F). Also called: USHER SYNDROME, TYPE IF. Identifiers: Orphanet 231169, Orphanet 886, MedGen C1865885, MONDO:0011186, OMIM 602083.
Autosomal recessive nonsyndromic hearing loss 23. Identifiers: Orphanet 90636, MedGen C1836027, MONDO:0012293, OMIM 609533.

Allele frequency attached by ClinVar (database versions not stated): gnomAD exomes 0.00002 and below 0.00001; ExAC 0.00001.
gnomAD v4.1: 5 of 1,613,216 alleles (0.00031%); highest among the groups gnomAD compares: Admixed American, 0.0067%; no homozygotes.

Submissions (5):

Labcorp Genetics (formerly Invitae), Labcorp
Classification: Likely pathogenic. Last evaluated: 2024-01-04. Review status: criteria provided, single submitter. Criteria: Invitae Variant Classification Sherloc (09022015). Collection method: clinical testing. Allele origin: germline.
Comment: This sequence change affects a donor splice site in intron 20 of the PCDH15 gene. It is expected to disrupt RNA splicing. Variants that disrupt the donor or acceptor splice site typically lead to a loss of protein function (PMID: 16199547), and loss-of-function variants in PCDH15 are known to be pathogenic (PMID: 11398101, 11487575, 14570705). This variant is present in population databases (rs754543131, gnomAD 0.009%). This variant has not been reported in the literature in individuals affected with PCDH15-related conditions. ClinVar contains an entry for this variant (Variation ID: 553206). Algorithms developed to predict the effect of sequence changes on RNA splicing suggest that this variant may disrupt the consensus splice site. In summary, the currently available evidence indicates that the variant is pathogenic, but additional data are needed to prove that conclusively. Therefore, this variant has been classified as Likely Pathogenic.

Baylor Genetics
Classification: Likely pathogenic for Autosomal recessive nonsyndromic hearing loss 23. Last evaluated: 2023-12-28. Review status: criteria provided, single submitter. Criteria: ACMG Guidelines, 2015. Collection method: clinical testing. Allele origin: unknown.

Broad Center for Mendelian Genomics, Broad Institute of MIT and Harvard
Classification: Uncertain significance for Usher syndrome type 1F. Last evaluated: 2023-01-24. Review status: criteria provided, single submitter. Criteria: ACMG Guidelines, 2015. Collection method: curation. Allele origin: germline. Inheritance: Autosomal recessive inheritance.
Comment: The c.2751+2T>C variant in PCDH15 has not been previously reported in the literature in individuals with Usher syndrome type 1F but has been identified in 0.009% (3/34484) of Latino/Admixed American chromosomes by the Genome Aggregation Database (gnomAD; dbSNP ID: rs754543131). Although this variant has been seen in the general population in a heterozygous state, its frequency is low enough to be consistent with a recessive carrier frequency. This variant has also been reported in ClinVar (Variation ID#: 553206) and has been interpreted as likely pathogenic by Invitae and Counsyl and as a variant of uncertain significance by Laboratory for Molecular Medicine (Mass General Brigham Personalized Medicine). This variant is located in the 3' splice region. Computational tools predict a splicing impact, though this information is not predictive enough to determine pathogenicity. This variant is adjacent to an in-frame exon and is more likely to escape nonsense mediated decay (NMD) and result in a truncated protein. In summary, the clinical significance of the c.2751+2T>C variant is uncertain. ACMG/AMP Criteria applied: PM2_supporting, PVS1_moderate (Richards 2015).

Laboratory for Molecular Medicine, Mass General Brigham Personalized Medicine
Classification: Uncertain significance. Last evaluated: 2019-01-04. Review status: criteria provided, single submitter. Criteria: LMM Criteria. Collection method: clinical testing. Allele origin: germline. Observed: 1 variant allele.
Comment: Variant classified as Uncertain Significance - Favor Pathogenic. The c.2751+2T>C variant in PCDH15 has not been previously reported in individuals with hearing loss or Usher syndrome, but has been identified in 0.009% (3/34484) of Latino ch romosomes by gnomAD. This variant occurs with in the canonical splice site (+/- 1,2). Although additional studies would be nee ded to determine its impact, this variant is predicted to cause altered splicing of exon 20. However, because a loss of exon 20 would preserve the protein readi ng frame, the biological impact of this variant is uncertain. In summary, while there is some suspicion for a pathogenic role, the clinical significance of this variant is uncertain. ACMG/AMP criteria applied: PM2_Supporting, PM4.

Counsyl
Classification: Likely pathogenic for Usher syndrome type 1F. Last evaluated: 2017-08-07. Review status: no assertion criteria provided. Collection method: clinical testing. Allele origin: unknown. Not counted in ClinVar's aggregate classification.

Literature cited by the submitters: PubMed 16199547 (cited by Labcorp Genetics (formerly Invitae), Labcorp); PubMed 11398101 (cited by Labcorp Genetics (formerly Invitae), Labcorp); PubMed 11487575 (cited by Labcorp Genetics (formerly Invitae), Labcorp); PubMed 14570705 (cited by Labcorp Genetics (formerly Invitae), Labcorp).